The following is an entry in ClinVar:

NM_000719.7(CACNA1C):c.901C>G (p.Gln301Glu)

Gene: CACNA1C (calcium voltage-gated channel subunit alpha1 C; plus strand). Cytogenetic location: 12p13.33.
Variant type: single nucleotide variant.
Coding change: c.901C>G on transcript NM_000719.7 (MANE Select); coding-DNA position 901, C replaced by G.
Protein change: p.Gln301Glu; replaces glutamine 301 with glutamic acid.
Molecular consequence: missense variant.
Genome position (GRCh38, 1-based): chr12:2,486,247, C>G. VCF-style: chr12-2486247-C-G. GRCh37 (hg19) VCF-style: chr12-2595413-C-G.
Other names: c.901C>G, p.Gln301Glu (NM_001129827.2, NM_001129829.2, NM_001129830.3 and 19 more transcripts); short protein forms Q301E.
Identifiers: ClinVar variation 1472528 (VCV001472528.13), dbSNP rs538921079, ClinGen allele CA6388550.

ClinVar aggregate classification (germline): Uncertain significance. Review status: criteria provided, multiple submitters, no conflicts (2 of 4 stars). 3 submissions from 3 submitters: Uncertain significance (3). Last evaluated 2025-07-24.

Conditions:
Cardiovascular phenotype. Identifiers: MedGen CN230736.
Long QT syndrome (LQTS). Identifiers: MedGen C0023976, MeSH D008133, MONDO:0002442. Disease mechanism: loss of function. Inheritance: Various modes of inheritance.

Allele frequency attached by ClinVar (database versions not stated): TOPMed below 0.00001; gnomAD 0.00001; gnomAD exomes 0.00001; ExAC 0.00003; 1000 Genomes Project 0.00060; 1000 Genomes Project 30x 0.00062.
gnomAD v4.1: 3 of 1,613,426 alleles (0.00019%); highest among the groups gnomAD compares: African/African-American, 0.004%; no homozygotes.

Submissions (3):

Ambry Genetics
Classification: Uncertain significance for Cardiovascular phenotype. Last evaluated: 2025-07-24. Review status: criteria provided, single submitter. Criteria: Ambry Variant Classification Scheme 2023. Collection method: clinical testing. Allele origin: germline.
Comment: The p.Q301E variant (also known as c.901C>G), located in coding exon 6 of the CACNA1C gene, results from a C to G substitution at nucleotide position 901. The glutamine at codon 301 is replaced by glutamic acid, an amino acid with highly similar properties. According to data from gnomAD, the frequency for this variant is above the maximum credible frequency for a cardiac disease-causing variant in this gene based on internally established thresholds (Karczewski et al. Nature. 2020 May;581(7809):434-443; Whiffin et al. Genet Med. 2017 10;19:1151-1158). This amino acid position is well conserved in available vertebrate species. In addition, the in silico prediction for this alteration is inconclusive. Based on the supporting evidence, the association of this alteration with CACNA1C-related neurodevelopmental disorder is unknown; however, the association of this alteration with CACNA1C-related Timothy syndrome or long QT syndrome is unlikely.

GeneDx
Classification: Uncertain significance. Last evaluated: 2025-03-12. Review status: criteria provided, single submitter. Criteria: GeneDx Variant Classification Process June 2021. Collection method: clinical testing. Allele origin: germline. Affected: yes.
Comment: Not observed at significant frequency in large population cohorts (gnomAD); In silico analysis indicates that this missense variant does not alter protein structure/function; Has not been previously published as pathogenic or benign to our knowledge

Labcorp Genetics (formerly Invitae), Labcorp
Classification: Uncertain significance for Long QT syndrome. Last evaluated: 2022-02-02. Review status: criteria provided, single submitter. Criteria: Invitae Variant Classification Sherloc (09022015). Collection method: clinical testing. Allele origin: germline.
Comment: This sequence change replaces glutamine, which is neutral and polar, with glutamic acid, which is acidic and polar, at codon 301 of the CACNA1C protein (p.Gln301Glu). This variant is present in population databases (rs538921079, gnomAD 0.02%). This variant has not been reported in the literature in individuals affected with CACNA1C-related conditions. Algorithms developed to predict the effect of missense changes on protein structure and function (SIFT, PolyPhen-2, Align-GVGD) all suggest that this variant is likely to be tolerated. In summary, the available evidence is currently insufficient to determine the role of this variant in disease. Therefore, it has been classified as a Variant of Uncertain Significance.